The following is an entry in ClinVar:

ClinVar aggregate classification (germline): Uncertain significance (1 of 4 stars; one submission).

Conditions:
Parathyroid carcinoma (PRTC). Also called: Parathyroid gland carcinoma; CDC73-Related Parathyroid Carcinoma. Identifiers: Orphanet 143, MedGen C0687150, MONDO:0012004, OMIM 608266, HP:0006780.

gnomAD v4.1: 1 of 1,552,644 alleles (0.000064%); highest among the groups gnomAD compares: Non-Finnish European, 0.000089%; no homozygotes.

Submission:

Labcorp Genetics (formerly Invitae), Labcorp
Classification: Uncertain significance for Parathyroid carcinoma. Last evaluated: 2023-07-10. Review status: criteria provided, single submitter. Criteria: Invitae Variant Classification Sherloc (09022015). Collection method: clinical testing. Allele origin: germline.
Comment: In summary, the available evidence is currently insufficient to determine the role of this variant in disease. Therefore, it has been classified as a Variant of Uncertain Significance. Advanced modeling of protein sequence and biophysical properties (such as structural, functional, and spatial information, amino acid conservation, physicochemical variation, residue mobility, and thermodynamic stability) performed at Invitae indicates that this missense variant is expected to disrupt CDC73 protein function. ClinVar contains an entry for this variant (Variation ID: 653314). This variant has not been reported in the literature in individuals affected with CDC73-related conditions. This variant is not present in population databases (gnomAD no frequency). This sequence change replaces leucine, which is neutral and non-polar, with valine, which is neutral and non-polar, at codon 384 of the CDC73 protein (p.Leu384Val).

NM_024529.5(CDC73):c.1150C>G (p.Leu384Val)

Gene: CDC73 (cell division cycle 73; plus strand). Cytogenetic location: 1q31.2.
Variant type: single nucleotide variant.
Coding change: c.1150C>G on transcript NM_024529.5 (MANE Select); coding-DNA position 1150, C replaced by G.
Protein change: p.Leu384Val; replaces leucine 384 with valine.
Molecular consequence: missense variant.
Genome position (GRCh38, 1-based): chr1:193,212,473, C>G. VCF-style: chr1-193212473-C-G. GRCh37 (hg19) VCF-style: chr1-193181603-C-G.
Other names: short protein forms L384V.
Identifiers: ClinVar variation 653314 (VCV000653314.9), dbSNP rs377215814, ClinGen allele CA344077684.
Genomic context (GRCh38, chr1:193,212,473, plus strand): 5'-ATTCCTGCAGCTACCACCTCTTTAATAACCATGCTTAATGCAAAAGACCTTCTACAGGAC[C>G]TGAAGTAAGTAATTTATTAAACTATCCTGTACGTAGGATATTGAGATACCATTGGAAAAT-3'
Protein context (NP_078805.3, residues 374-394): MLNAKDLLQD[Leu384Val]KFVPSDEKKK